The following is an entry in ClinVar:

ClinVar aggregate classification (germline): Uncertain significance. Review status: criteria provided, multiple submitters, no conflicts (2 of 4 stars). 2 submissions from 2 submitters: Uncertain significance (2). Last evaluated 2022-10-25.

Conditions:
Inborn genetic diseases. Identifiers: MedGen C0950123, MeSH D030342.

gnomAD v4.1: 1 of 1,612,712 alleles (0.000062%); highest among the groups gnomAD compares: African/African-American, 0.0013%; no homozygotes.

Submissions (2):

Ambry Genetics
Classification: Uncertain significance for Inborn genetic diseases. Last evaluated: 2022-10-25. Review status: criteria provided, single submitter. Criteria: Ambry Variant Classification Scheme 2023. Collection method: clinical testing. Allele origin: germline.

Labcorp Genetics (formerly Invitae), Labcorp
Classification: Uncertain significance. Last evaluated: 2022-09-04. Review status: criteria provided, single submitter. Criteria: Invitae Variant Classification Sherloc (09022015). Collection method: clinical testing. Allele origin: germline.
Comment: This sequence change replaces glutamine, which is neutral and polar, with lysine, which is basic and polar, at codon 6 of the RGS9 protein (p.Gln6Lys). This variant is present in population databases (no rsID available, gnomAD 0.007%). This variant has not been reported in the literature in individuals affected with RGS9-related conditions. Algorithms developed to predict the effect of missense changes on protein structure and function (SIFT, PolyPhen-2, Align-GVGD) all suggest that this variant is likely to be tolerated. In summary, the available evidence is currently insufficient to determine the role of this variant in disease. Therefore, it has been classified as a Variant of Uncertain Significance.

NM_003835.4(RGS9):c.16C>A (p.Gln6Lys)

Genes: RGS9 (regulator of G protein signaling 9; plus strand), LOC130061461 (ATAC-STARR-seq lymphoblastoid silent region 8861; plus strand). Cytogenetic location: 17q24.1.
Variant type: single nucleotide variant.
Coding change: c.16C>A on transcript NM_003835.4 (MANE Select); coding-DNA position 16, C replaced by A.
Protein change: p.Gln6Lys; replaces glutamine 6 with lysine.
Molecular consequence: missense variant.
Genome position (GRCh38, 1-based): chr17:65,137,556, C>A. VCF-style: chr17-65137556-C-A. GRCh37 (hg19) VCF-style: chr17-63133674-C-A.
Other names: c.16C>A, p.Gln6Lys (NM_001081955.3, NM_001165933.2); short protein forms Q6K.
Identifiers: ClinVar variation 1917832 (VCV001917832.6), dbSNP rs776631498, ClinGen allele CA400660223.